The following is an entry in ClinVar:

NM_001378120.1(MBD5):c.156A>G (p.Thr52=)

Gene: MBD5 (methyl-CpG binding domain protein 5; plus strand). Cytogenetic location: 2q23.1.
Variant type: single nucleotide variant.
Coding change: c.156A>G on transcript NM_001378120.1 (MANE Select); coding-DNA position 156, A replaced by G.
Protein change: p.Thr52=; no amino-acid change (threonine 52 retained).
Molecular consequence: synonymous variant.
Genome position (GRCh38, 1-based): chr2:148,462,624, A>G. VCF-style: chr2-148462624-A-G. GRCh37 (hg19) VCF-style: chr2-149220193-A-G.
Other names: c.156A>G, p.Thr52= (NM_018328.5).
Identifiers: ClinVar variation 468770 (VCV000468770.14), dbSNP rs796958008, ClinGen allele CA57568958.

ClinVar aggregate classification (germline): Benign/Likely benign. Review status: criteria provided, multiple submitters, no conflicts (2 of 4 stars). 3 submissions from 3 submitters: Benign (1); Likely benign (1). 1 of the submissions does not count toward it. Last evaluated 2023-07-06.

Conditions:
MBD5-related disorder. Also called: MBD5-related condition.
Intellectual developmental disorder, autosomal dominant 1. Also called: MBD5 Haploinsufficiency; Intellectual disability, autosomal dominant 1. Identifiers: Orphanet 228402, MedGen C1969562, MONDO:0007974, OMIM 156200.

Allele frequency attached by ClinVar (database versions not stated): gnomAD 0.00001.
gnomAD v4.1: 2 of 1,612,986 alleles (0.00012%); highest among the groups gnomAD compares: African/African-American, 0.0027%; no homozygotes.

Submissions (3):

Women's Health and Genetics/Laboratory Corporation of America, LabCorp
Classification: Likely benign. Last evaluated: 2023-07-06. Review status: criteria provided, single submitter. Criteria: LabCorp Variant Classification Summary - May 2015. Collection method: clinical testing. Allele origin: germline.
Comment: Variant summary: MBD5 c.156A>G alters a non-conserved nucleotide resulting in a synonymous change. 3/4 computational tools predict no significant impact on normal splicing. However, these predictions have yet to be confirmed by functional studies. The variant was absent in 251146 control chromosomes (gnomAD). The available data on variant occurrences in the general population are insufficient to allow any conclusion about variant significance. To our knowledge, no occurrence of c.156A>G in individuals affected with MBD5 Associated Neurodevelopmental Disorder and no experimental evidence demonstrating its impact on protein function have been reported. One submitter has cited clinical-significance assessments for this variant to ClinVar after 2014 and has classified the variant as benign. Based on the evidence outlined above, the variant was classified as likely benign.

Labcorp Genetics (formerly Invitae), Labcorp
Classification: Benign for Intellectual developmental disorder, autosomal dominant 1. Last evaluated: 2022-08-23. Review status: criteria provided, single submitter. Criteria: Invitae Variant Classification Sherloc (09022015). Collection method: clinical testing. Allele origin: germline.

PreventionGenetics, part of Exact Sciences
Classification: Likely benign for MBD5-related condition. Last evaluated: 2024-02-21. Review status: no assertion criteria provided. Collection method: clinical testing. Allele origin: germline. Not counted in ClinVar's aggregate classification.
Comment: This variant is classified as likely benign based on ACMG/AMP sequence variant interpretation guidelines (Richards et al. 2015 PMID: 25741868, with internal and published modifications).